The following is an entry in ClinVar:

ClinVar aggregate classification (germline): Pathogenic. Review status: criteria provided, multiple submitters, no conflicts (2 of 4 stars). 2 submissions from 2 submitters: Pathogenic (2). Last evaluated 2024-02-17.

Conditions:
Marfan syndrome (MFS). Also called: Marfan's syndrome; Marfan syndrome, classic; MARFAN SYNDROME, TYPE I; Marfan syndrome type 1; FBN1-Related Marfan Syndrome. Identifiers: Orphanet 284963, Orphanet 558, MedGen C0024796, MONDO:0007947, OMIM 154700.
Familial thoracic aortic aneurysm and aortic dissection (TAAD). Also called: Thoracic aortic aneurysms and dissections. Identifiers: Orphanet 91387, MedGen C4707243, MONDO:0019625.

Submissions (2):

Labcorp Genetics (formerly Invitae), Labcorp
Classification: Pathogenic for Marfan syndrome; Familial thoracic aortic aneurysm and aortic dissection. Last evaluated: 2024-02-17. Review status: criteria provided, single submitter. Criteria: Invitae Variant Classification Sherloc (09022015). Collection method: clinical testing. Allele origin: germline.
Comment: This sequence change creates a premature translational stop signal (p.Ser95*) in the FBN1 gene. It is expected to result in an absent or disrupted protein product. Loss-of-function variants in FBN1 are known to be pathogenic (PMID: 17657824, 19293843). This variant is not present in population databases (gnomAD no frequency). This premature translational stop signal has been observed in individual(s) with clinical features of FBN1-related conditions (PMID: 27906200, 34456093, 34498425). ClinVar contains an entry for this variant (Variation ID: 1698746). For these reasons, this variant has been classified as Pathogenic.

Genetics and Molecular Pathology, SA Pathology
Classification: Pathogenic for Marfan syndrome. Last evaluated: 2022-02-08. Review status: criteria provided, single submitter. Criteria: ACMG Guidelines, 2015. Collection method: clinical testing. Allele origin: germline. Affected: yes.

Literature cited by the submitters: PubMed 17657824 (cited by Labcorp Genetics (formerly Invitae), Labcorp); PubMed 19293843 (cited by Labcorp Genetics (formerly Invitae), Labcorp); PubMed 27906200 (cited by Labcorp Genetics (formerly Invitae), Labcorp); PubMed 34456093 (cited by Labcorp Genetics (formerly Invitae), Labcorp); PubMed 34498425 (cited by Labcorp Genetics (formerly Invitae), Labcorp).

NM_000138.5(FBN1):c.284C>A (p.Ser95Ter)

Gene: FBN1 (fibrillin 1; minus strand). Cytogenetic location: 15q21.1.
Variant type: single nucleotide variant.
Coding change: c.284C>A on transcript NM_000138.5 (MANE Select); coding-DNA position 284, C replaced by A.
Protein change: p.Ser95Ter; replaces serine 95 with a stop codon.
Molecular consequence: nonsense.
Genome position (GRCh38, 1-based): chr15:48,610,790, G>T on the plus strand (C>A on the coding strand, the complement: FBN1 is on the minus strand). VCF-style: chr15-48610790-G-T. GRCh37 (hg19) VCF-style: chr15-48902987-G-T.
Other names: short protein forms S95*.
Identifiers: ClinVar variation 1698746 (VCV001698746.5), dbSNP rs922684362, ClinGen allele CA392447031.